The following is an entry in ClinVar:

ClinVar aggregate classification (germline): Uncertain significance (1 of 4 stars; one submission).

Conditions:
Inborn genetic diseases. Identifiers: MedGen C0950123, MeSH D030342.

Submission:

Ambry Genetics
Classification: Uncertain significance for Inborn genetic diseases. Last evaluated: 2026-07-06. Review status: criteria provided, single submitter. Criteria: Ambry Variant Classification Scheme 2023. Collection method: clinical testing. Allele origin: germline.
Comment: The p.S22G variant (also known as c.64A>G), located in coding exon 2 of the ETV6 gene, results from an A to G substitution at nucleotide position 64. The serine at codon 22 is replaced by glycine, an amino acid with similar properties. This amino acid position is conserved. In addition, this alteration is predicted to be tolerated by in silico analysis. Based on the available evidence, the clinical significance of this variant remains unclear.

NM_001987.5(ETV6):c.64A>G (p.Ser22Gly)

Gene: ETV6 (ETS variant transcription factor 6; plus strand). Cytogenetic location: 12p13.2.
Variant type: single nucleotide variant.
Coding change: c.64A>G on transcript NM_001987.5 (MANE Select); coding-DNA position 64, A replaced by G.
Protein change: p.Ser22Gly; replaces serine 22 with glycine.
Molecular consequence: missense variant. On other transcripts: intron variant (1).
Genome position (GRCh38, 1-based): chr12:11,752,480, A>G. VCF-style: chr12-11752480-A-G. GRCh37 (hg19) VCF-style: chr12-11905414-A-G.
Other names: c.61A>G, p.Ser21Gly (NM_001413913.1); c.37A>G, p.Ser13Gly (NM_001413914.1); c.64A>G, p.Ser22Gly (NM_001413916.1, NM_001413917.1, NM_001413918.1); c.-101-86660A>G (NM_001413915.1); short protein forms S13G, S21G, S22G.
Identifiers: ClinVar variation 5036164 (VCV005036164.1).
Genomic context (GRCh38, chr12:11,752,480, plus strand): 5'-CTCCCCTCTTCCTGCCCTTATTTTTAACAGCAGGAACGAATTTCATATACACCTCCAGAG[A>G]GCCCAGTGCCGAGTTACGCTTCCTCGACGCCACTTCATGTTCCAGTGCCTCGAGCGCTCA-3'
Protein context (NP_001978.1, residues 12-32): QERISYTPPE[Ser22Gly]PVPSYASSTP